The following is an entry in ClinVar:

ClinVar aggregate classification (germline): Likely benign (1 of 4 stars; one submission).

Allele frequency attached by ClinVar (database versions not stated): gnomAD 0.00001; TOPMed 0.00001; gnomAD exomes 0.00003.
gnomAD v4.1: 28 of 1,193,239 alleles (0.0023%); highest among the groups gnomAD compares: Non-Finnish European, 0.0032%; no homozygotes.

Submission:

CeGaT Center for Human Genetics Tuebingen
Classification: Likely benign. Last evaluated: 2022-03-01. Review status: criteria provided, single submitter. Criteria: CeGaT Center For Human Genetics Tuebingen Variant Classification Criteria Version 2. Collection method: clinical testing. Allele origin: germline. Affected: yes. Observed: 1 variant allele.
Comment: ADGRG2: BP4, BP7

NM_001079858.3(ADGRG2):c.1860G>C (p.Val620=)

Gene: ADGRG2 (adhesion G protein-coupled receptor G2; minus strand). Cytogenetic location: Xp22.13.
Variant type: single nucleotide variant.
Coding change: c.1860G>C on transcript NM_001079858.3 (MANE Select); coding-DNA position 1860, G replaced by C.
Protein change: p.Val620=; no amino-acid change (valine 620 retained).
Molecular consequence: synonymous variant.
Genome position (GRCh38, 1-based): chrX:19,004,859, C>G on the plus strand (G>C on the coding strand, the complement: ADGRG2 is on the minus strand). VCF-style: chrX-19004859-C-G. GRCh37 (hg19) VCF-style: chrX-19022977-C-G.
Other names: c.1818G>C, p.Val606= (NM_001079859.3); c.1794G>C, p.Val598= (NM_001079860.3); c.1812G>C, p.Val604= (NM_001184833.2); c.1860G>C, p.Val620= (NM_001184834.2); c.1746G>C, p.Val582= (NM_001184835.2); c.1788G>C, p.Val596= (NM_001184836.2); c.1770G>C, p.Val590= (NM_001184837.2); c.1851G>C, p.Val617= (NM_005756.4).
Identifiers: ClinVar variation 2660119 (VCV002660119.24), dbSNP rs1265451853, ClinGen allele CA515480484.